The following is an entry in ClinVar:

NM_024589.3(ROGDI):c.117+1G>T

Gene: ROGDI (rogdi atypical leucine zipper; minus strand). Cytogenetic location: 16p13.3.
Variant type: single nucleotide variant.
Coding change: c.117+1G>T on transcript NM_024589.3 (MANE Select); the canonical splice donor site of the intron after coding-DNA position 117, G replaced by T.
Molecular consequence: splice donor variant.
Genome position (GRCh38, 1-based): chr16:4,802,381, C>A on the plus strand (G>T on the coding strand, the complement: ROGDI is on the minus strand). VCF-style: chr16-4802381-C-A. GRCh37 (hg19) VCF-style: chr16-4852382-C-A.
Identifiers: ClinVar variation 947711 (VCV000947711.10), dbSNP rs570952151, ClinGen allele CA394656477.

ClinVar aggregate classification (germline): Pathogenic (1 of 4 stars; one submission).

Conditions:
Amelocerebrohypohidrotic syndrome (KTZS). Also called: EPILEPSY AND YELLOW TEETH; EPILEPSY, DEMENTIA, AND AMELOGENESIS IMPERFECTA; KOHLSCHUTTER SYNDROME; Kohlschutter's syndrome. Identifiers: Orphanet 1946, MedGen C0406740, MONDO:0009185, OMIM 226750.

Submission:

Labcorp Genetics (formerly Invitae), Labcorp
Classification: Pathogenic for Amelocerebrohypohidrotic syndrome. Last evaluated: 2022-10-28. Review status: criteria provided, single submitter. Criteria: Invitae Variant Classification Sherloc (09022015). Collection method: clinical testing. Allele origin: germline.
Comment: This sequence change affects a donor splice site in intron 2 of the ROGDI gene. RNA analysis indicates that disruption of this splice site induces altered splicing and likely results in a shortened protein product. This variant is not present in population databases (gnomAD no frequency). Disruption of this splice site has been observed in individual(s) with Kohlschutter-Tonz syndrome (PMID: 25565929). ClinVar contains an entry for this variant (Variation ID: 947711). Studies have shown that disruption of this splice site results in skipping of exon 2, but is expected to preserve the integrity of the reading-frame (PMID: 25565929). For these reasons, this variant has been classified as Pathogenic.

Literature cited by the submitters: PubMed 25565929.